The following is an entry in ClinVar:

ClinVar aggregate classification (germline): Benign. Review status: criteria provided, multiple submitters, no conflicts (2 of 4 stars). 6 submissions from 6 submitters: Benign (5). 1 of the submissions does not count toward it. Last evaluated 2026-01-19.

Conditions:
Vesicoureteral reflux 2 (VUR2). Identifiers: Orphanet 289365, MedGen C1970483, MONDO:0012573, OMIM 610878.
ROBO2-related disorder. Also called: ROBO2-related condition.

Allele frequency attached by ClinVar (database versions not stated): gnomAD exomes 0.00054 and 0.00157; ExAC 0.00186; gnomAD 0.00535 and 0.00575; TOPMed 0.00603; ESP Exome Variant Server 0.00647; 1000 Genomes Project 0.00719; 1000 Genomes Project 30x 0.00874.
gnomAD v4.1: 1,654 of 1,613,356 alleles (0.1%); highest among the groups gnomAD compares: African/African-American, 1.9%; 20 homozygotes.

Submissions (6):

Labcorp Genetics (formerly Invitae), Labcorp
Classification: Benign. Last evaluated: 2026-01-19. Review status: criteria provided, single submitter. Criteria: Invitae Variant Classification Sherloc (09022015). Collection method: clinical testing. Allele origin: germline.

Mayo Clinic Laboratories, Mayo Clinic
Classification: Benign. Last evaluated: 2024-08-14. Review status: criteria provided, single submitter. Criteria: ACMG Guidelines, 2015. Collection method: clinical testing. Allele origin: germline. Observed: 2 variant alleles.
Comment: BS1, BS2, BP4, BP7

Fulgent Genetics
Classification: Benign for Vesicoureteral reflux 2. Last evaluated: 2021-07-30. Review status: criteria provided, single submitter. Criteria: ACMG Guidelines, 2015. Collection method: clinical testing. Allele origin: unknown.

Illumina Laboratory Services, Illumina
Classification: Benign for Vesicoureteral reflux 2. Last evaluated: 2018-01-13. Review status: criteria provided, single submitter. Criteria: ICSL Variant Classification Criteria 13 December 2019. Collection method: clinical testing. Allele origin: germline.
Comment: This variant was observed in the ICSL laboratory as part of a predisposition screen in an ostensibly healthy population. It had not been previously curated by ICSL or reported in the Human Gene Mutation Database (HGMD: prior to June 1st, 2018), and was therefore a candidate for classification through an automated scoring system. Utilizing variant allele frequency, disease prevalence and penetrance estimates, and inheritance mode, an automated score was calculated to assess if this variant is too frequent to cause the disease. Based on the score and internal cut-off values, a variant classified as benign is not then subjected to further curation. The score for this variant resulted in a classification of benign for this disease.

Breakthrough Genomics
Classification: Benign. Review status: criteria provided, single submitter. Criteria: ACMG Guidelines, 2015. Collection method: not provided. Allele origin: germline. Inheritance: Autosomal dominant inheritance. Affected: yes.

PreventionGenetics, part of Exact Sciences
Classification: Benign for ROBO2-related condition. Last evaluated: 2019-07-16. Review status: no assertion criteria provided. Collection method: clinical testing. Allele origin: germline. Not counted in ClinVar's aggregate classification.
Comment: This variant is classified as benign based on ACMG/AMP sequence variant interpretation guidelines (Richards et al. 2015 PMID: 25741868, with internal and published modifications).

NM_001395656.1(ROBO2):c.1861+8C>G

Gene: ROBO2 (roundabout guidance receptor 2; plus strand). Cytogenetic location: 3p12.3.
Variant type: single nucleotide variant.
Coding change: c.1861+8C>G on transcript NM_001395656.1 (MANE Select); 8 bases into the intron after coding-DNA position 1861, C replaced by G.
Molecular consequence: intron variant.
Genome position (GRCh38, 1-based): chr3:77,565,128, C>G. VCF-style: chr3-77565128-C-G. GRCh37 (hg19) VCF-style: chr3-77614279-C-G.
Other names: p.?; c.1909+8C>G (NM_001378191.1, NM_001378195.1, NM_001378196.1 and 4 more transcripts); c.1897+8C>G (NM_001128929.3); c.1930+8C>G (NM_001394213.1, NM_001378192.1, NM_001378198.1 and 2 more transcripts); c.1918+8C>G (NM_001394212.1, NM_001395657.1, NM_001394214.1); c.1861+8C>G (NM_001290040.2, NM_001290039.2, NM_001378202.1); c.70+8C>G (NM_001290065.2); c.1849+8C>G (NM_001378197.1, NM_001378193.1, NM_002942.5).
Identifiers: ClinVar variation 346691 (VCV000346691.19), dbSNP rs144780438, ClinGen allele CA2497167.